The following is an entry in ClinVar:

ClinVar aggregate classification (germline): Conflicting classifications of pathogenicity. Review status: criteria provided, conflicting classifications (1 of 4 stars). 3 submissions from 3 submitters: Uncertain significance (2); Likely benign (1). Last evaluated 2026-01-04.

Conditions:
Cardiovascular phenotype. Identifiers: MedGen CN230736.
Legius syndrome. Identifiers: Orphanet 137605, MedGen C1969623, MONDO:0012669, OMIM 611431. Disease mechanism: loss of function.

Allele frequency attached by ClinVar (database versions not stated): gnomAD 0.00001; TOPMed 0.00001; ExAC 0.00002; gnomAD exomes 0.00002.
gnomAD v4.1: 26 of 1,613,738 alleles (0.0016%); highest among the groups gnomAD compares: South Asian, 0.0022%; no homozygotes.

Submissions (3):

Labcorp Genetics (formerly Invitae), Labcorp
Classification: Likely benign for Legius syndrome. Last evaluated: 2026-01-04. Review status: criteria provided, single submitter. Criteria: Invitae Variant Classification Sherloc (09022015). Collection method: clinical testing. Allele origin: germline.

Ambry Genetics
Classification: Uncertain significance for Cardiovascular phenotype. Last evaluated: 2025-05-14. Review status: criteria provided, single submitter. Criteria: Ambry Variant Classification Scheme 2023. Collection method: clinical testing. Allele origin: germline.

ARUP Laboratories, Molecular Genetics and Genomics, ARUP Laboratories
Classification: Uncertain significance for Legius syndrome. Last evaluated: 2024-03-26. Review status: criteria provided, single submitter. Criteria: ARUP Molecular Germline Variant Investigation Process 2024. Collection method: clinical testing. Allele origin: germline.
Comment: The SPRED1 c.578A>G; p.Asn193Ser variant (rs766431294), to our knowledge, is not reported in the medical literature but is reported in ClinVar (Variation ID: 1426302). This variant is found in the non-Finnish European population with an allele frequency of 0.004% (4/112,928 alleles) in the Genome Aggregation Database (v2.1.1). Computational analyses predict that this variant is neutral (REVEL: 0.129). Due to limited information, the clinical significance of this variant is uncertain at this time.

NM_152594.3(SPRED1):c.578A>G (p.Asn193Ser)

Gene: SPRED1 (sprouty related EVH1 domain containing 1; plus strand). Cytogenetic location: 15q14.
Variant type: single nucleotide variant.
Coding change: c.578A>G on transcript NM_152594.3 (MANE Select); coding-DNA position 578, A replaced by G.
Protein change: p.Asn193Ser; replaces asparagine 193 with serine.
Molecular consequence: missense variant.
Genome position (GRCh38, 1-based): chr15:38,339,891, A>G. VCF-style: chr15-38339891-A-G. GRCh37 (hg19) VCF-style: chr15-38632092-A-G.
Other names: short protein forms N193S.
Identifiers: ClinVar variation 1426302 (VCV001426302.12), dbSNP rs766431294, ClinGen allele CA7470114.